The following is an entry in ClinVar:

ClinVar aggregate classification (germline): Pathogenic. Review status: criteria provided, single submitter (1 of 4 stars). 5 submissions from 5 submitters: Pathogenic (1). 4 of the submissions do not count toward it. Last evaluated 2023-12-19.
ClinVar aggregate classification (somatic clinical impact): Tier I - Strong. Review status: criteria provided, single submitter (1 of 4 stars). 7 submissions from 1 submitter. 1 of the submissions does not count toward it. Last evaluated 2025-10-10.
ClinVar aggregate classification (oncogenicity): Oncogenic (1 of 4 stars; one submission).

Conditions:
Pilomyxoid astrocytoma. Identifiers: Orphanet 251615, MedGen C1519086, MONDO:0016692.
Encephalocraniocutaneous lipomatosis (ECCL). Identifiers: Orphanet 2396, MedGen C0406612, MONDO:0013074, OMIM 613001.
High-grade astrocytoma with piloid features. Identifiers: MedGen C5670122, MONDO:0858958.
Dysembryoplastic neuroepithelial tumor. Identifiers: Orphanet 251946, MedGen C1266177, MONDO:0005505, HP:0033703.
Rosette-forming glioneuronal tumor. Identifiers: Orphanet 251975, MedGen C4331262, MONDO:0016736, HP:0025171.
Diffuse midline glioma, H3 K27M-mutant. Identifiers: MedGen C4289688, MONDO:0957196.
Low grade glioma. Identifiers: MedGen C1997217, MONDO:0021637.
Malignant glioma. Identifiers: MedGen C0555198, MONDO:0100342, MONDO:0015917.
Pilocytic astrocytoma. Also called: Pilocytic astrocytoma, somatic. Identifiers: Orphanet 251612, MedGen C0334583, MONDO:0016691, HP:0033680.
Neoplasm. Also called: tumor; Neoplasms; Neoplasm (disease). Identifiers: MedGen C0027651, MeSH D009369, MONDO:0005070, HP:0002664.

Submissions 1 to 9 of 13:

Center for Genomic Medicine, Rigshospitalet, Copenhagen University Hospital
Classification: Oncogenic for Neoplasm. Last evaluated: 2025-12-29. Review status: criteria provided, single submitter. Criteria: ClinGen/CGC/VICC Guidelines for Oncogenicity, 2022. Collection method: clinical testing. Allele origin: somatic. Affected: yes.

Institute for Genomic Medicine (IGM) Clinical Laboratory, Nationwide Children's Hospital
Classification: Tier I - Strong for Diffuse midline glioma, H3 K27M-mutant. Assertion type: diagnostic. Clinical significance: supports diagnosis. Last evaluated: 2025-10-10. Review status: criteria provided, single submitter. Criteria: AMP/ASCO/CAP Guidelines, 2017. Collection method: clinical testing. Allele origin: somatic. Affected: yes.
Comment: Variant has Tier I (strong) clinical significance as a diagnostic inclusion criterion in diffuse midline glioma, H3 K27M-mutant, based on the following evidence: 1) Documented in one or more cancer databases (e.g., St. Jude Pecan, COSMIC, CIViC, OncoKB). 2) Appears in one or more well-established professional guidelines (e.g., World Health Organization [WHO]; National Comprehensive Cancer Network [NCCN]) as providing diagnostic, prognostic, or therapeutic information. 3) Information in the literature supports potential biologic effect of variant (PMID: 10918587). 4) Diagnostic for a specific tumor type/classification based on well-powered studies with expert-level consensus (Evidence Level B; PMIDs: 28966033, 31348837, 24880341, 37524847, 28912153, 24705250).

Institute for Genomic Medicine (IGM) Clinical Laboratory, Nationwide Children's Hospital
Classification: Tier I - Strong for Dysembryoplastic neuroepithelial tumor. Assertion type: diagnostic. Clinical significance: supports diagnosis. Last evaluated: 2025-02-17. Review status: criteria provided, single submitter. Criteria: AMP/ASCO/CAP Guidelines, 2017. Collection method: clinical testing. Allele origin: somatic. Affected: yes.
Comment: Variant has Tier I (strong) clinical significance as a diagnostic inclusion criterion in dysembryoplastic neuroepithelial tumor, based on the following evidence: 1) Documented in one or more cancer databases (e.g., St. Jude Pecan, COSMIC, CIViC, OncoKB). 2) Appears in one or more well-established professional guidelines (e.g., World Health Organization [WHO]; National Comprehensive Cancer Network [NCCN]) as providing diagnostic, prognostic, or therapeutic information. 3) Information in the literature supports potential biologic effect of variant (PMID: 10918587). 4) Diagnostic for a specific tumor type/classification according to professional guidelines (Evidence Level A; PMIDs: 26810070, 26920151, 30825062, 35836307).

Institute for Genomic Medicine (IGM) Clinical Laboratory, Nationwide Children's Hospital
Classification: Tier I - Strong for High-grade astrocytoma with piloid features. Assertion type: diagnostic. Clinical significance: supports diagnosis. Last evaluated: 2024-12-18. Review status: criteria provided, single submitter. Criteria: AMP/ASCO/CAP Guidelines, 2017. Collection method: clinical testing. Allele origin: somatic. Affected: yes.
Comment: Variant has Tier I (strong) clinical significance as a diagnostic inclusion criterion in high-grade astrocytoma with piloid features, based on the following evidence: 1) Documented in one or more cancer databases (e.g., St. Jude Pecan, COSMIC, CIViC, OncoKB). 2) Appears in one or more well-established professional guidelines (e.g., World Health Organization [WHO]; National Comprehensive Cancer Network [NCCN]) as providing diagnostic, prognostic, or therapeutic information. 3) Information in the literature supports potential biologic effect of variant (PMID: 10918587). 4) Diagnostic for a specific tumor type/classification based on well-powered studies with expert-level consensus (Evidence Level B; PMIDs: 29564591, 36271929, 31677015, 36418240).

Institute of Human Genetics Munich, TUM University Hospital
Classification: Pathogenic for Encephalocraniocutaneous lipomatosis. Last evaluated: 2023-12-19. Review status: criteria provided, single submitter. Criteria: Classification criteria August 2017. Collection method: clinical testing. Allele origin: germline. Inheritance: Autosomal dominant inheritance. Affected: yes. Observed: 1 variant allele.

Institute for Genomic Medicine (IGM) Clinical Laboratory, Nationwide Children's Hospital
Classification: Tier I - Strong for Rosette-forming glioneuronal tumor. Assertion type: diagnostic. Clinical significance: supports diagnosis. Last evaluated: 2023-09-21. Review status: criteria provided, single submitter. Criteria: AMP/ASCO/CAP Guidelines, 2017. Collection method: clinical testing. Allele origin: somatic. Affected: yes.
Comment: Variant has Tier I (strong) clinical significance as a diagnostic inclusion criterion in rosette-forming glioneuronal tumor of fourth ventricule, based on the following evidence: 1) Documented in one or more cancer databases (e.g., St. Jude Pecan, COSMIC, CIViC, OncoKB). 2) Appears in one or more well-established professional guidelines (e.g., World Health Organization [WHO]; National Comprehensive Cancer Network [NCCN]) as providing diagnostic, prognostic, or therapeutic information (PMIDs: 34185076, 28912153, 31250151, 32859279). 3) Information in the literature supports potential biologic effect of variant (PMID: 10918587). 4) Diagnostic for a specific tumor type/classification according to professional guidelines (Evidence Level A; PMIDs: 34185076, 28912153, 31250151, 32859279).

Institute for Genomic Medicine (IGM) Clinical Laboratory, Nationwide Children's Hospital
Classification: Tier I - Strong for Low grade glioma. Assertion type: diagnostic. Clinical significance: supports diagnosis. Last evaluated: 2023-08-11. Review status: criteria provided, single submitter. Criteria: AMP/ASCO/CAP Guidelines, 2017. Collection method: clinical testing. Allele origin: somatic. Affected: yes.
Comment: Variant has Tier I (strong) clinical significance as a diagnostic inclusion criterion in low grade glioma, based on the following evidence: 1) Documented in one or more cancer databases (e.g., St. Jude Pecan, COSMIC, CIViC, OncoKB). 2) Information in the literature supports potential biologic effect of variant (PMID: 10918587). 3) Diagnostic for a specific tumor type/classification according to professional guidelines (Evidence Level A; PMIDs: 32289278, 28912153, 29880043, 23817572, 26810070, 31250151, 32859279).

Institute for Genomic Medicine (IGM) Clinical Laboratory, Nationwide Children's Hospital
Classification: Tier I - Strong for Pilocytic astrocytoma. Assertion type: diagnostic. Clinical significance: supports diagnosis. Last evaluated: 2023-06-05. Review status: criteria provided, single submitter. Criteria: AMP/ASCO/CAP Guidelines, 2017. Collection method: clinical testing. Allele origin: somatic. Affected: yes.
Comment: Variant has Tier I (strong) clinical significance as a diagnostic inclusion criterion in pilocytic astrocytoma, based on the following evidence: 1) Documented in one or more cancer databases (e.g., St. Jude Pecan, COSMIC, CIViC, OncoKB). 2) Appears in one or more well-established professional guidelines (e.g., World Health Organization [WHO]; National Comprehensive Cancer Network [NCCN]) as providing diagnostic, prognostic, or therapeutic information. 3) Information in the literature supports potential biologic effect of variant (PMID: 10918587). 4) Diagnostic for a specific tumor type/classification according to professional guidelines (Evidence Level A; PMIDs: 23583981, 23817572, 27577993, 27701736, 32059187, 33352931, 35018490).

Institute for Genomic Medicine (IGM) Clinical Laboratory, Nationwide Children's Hospital
Classification: Tier II - Potential for Malignant glioma. Assertion type: diagnostic. Clinical significance: supports diagnosis. Last evaluated: 2022-12-02. Review status: criteria provided, single submitter. Criteria: AMP/ASCO/CAP Guidelines, 2017. Collection method: clinical testing. Allele origin: somatic. Affected: yes. Not counted in ClinVar's aggregate classification.
Comment: Variant has Tier II (potential) clinical significance as a diagnostic inclusion criterion in malignant glioma, based on the following evidence: 1) Documented in one or more cancer databases (e.g., St. Jude Pecan, COSMIC, CIViC, OncoKB). 2) Appears in one or more well-established professional guidelines (e.g., World Health Organization [WHO]; National Comprehensive Cancer Network [NCCN]) as providing diagnostic, prognostic, or therapeutic information. 3) Information in the literature supports potential biologic effect of variant. 4) Diagnostic significance based on multiple small studies (Evidence Level C).

NM_023110.3(FGFR1):c.1966A>G (p.Lys656Glu)

Gene: FGFR1 (fibroblast growth factor receptor 1; minus strand). Cytogenetic location: 8p11.23.
Variant type: single nucleotide variant.
Coding change: c.1966A>G on transcript NM_023110.3 (MANE Select); coding-DNA position 1966, A replaced by G.
Protein change: p.Lys656Glu; replaces lysine 656 with glutamic acid.
Molecular consequence: missense variant.
Genome position (GRCh38, 1-based): chr8:38,414,790, T>C on the plus strand (A>G on the coding strand, the complement: FGFR1 is on the minus strand). VCF-style: chr8-38414790-T-C. GRCh37 (hg19) VCF-style: chr8-38272308-T-C.
Other names: c.1693A>G, p.Lys565Glu (NM_001354370.2, NM_023106.3); c.1960A>G, p.Lys654Glu (NM_015850.4, NM_001174063.2, NM_001174065.2 and 1 more transcripts); c.1699A>G, p.Lys567Glu (NM_023105.3, NM_001174066.2); c.1936A>G, p.Lys646Glu (NM_001174064.2); c.2059A>G, p.Lys687Glu (NM_001174067.2); c.1687A>G, p.Lys563Glu (NM_001354368.2); c.1954A>G, p.Lys652Glu (NM_001354369.2); short protein forms K656E, K652E, K687E, K646E, K563E, K565E, K567E, K654E.
Identifiers: ClinVar variation 224897 (VCV000224897.12), dbSNP rs869320694, ClinGen allele CA358862.